The following is an entry in ClinVar:

ClinVar aggregate classification (germline): Uncertain significance (1 of 4 stars; one submission).

gnomAD v4.1: 2 of 1,613,854 alleles (0.00012%); highest among the groups gnomAD compares: Non-Finnish European, 0.00017%; no homozygotes.

Submission:

Labcorp Genetics (formerly Invitae), Labcorp
Classification: Uncertain significance. Last evaluated: 2025-03-03. Review status: criteria provided, single submitter. Criteria: Invitae Variant Classification Sherloc (09022015). Collection method: clinical testing. Allele origin: germline.
Comment: This sequence change replaces glutamic acid, which is acidic and polar, with aspartic acid, which is acidic and polar, at codon 372 of the SRCAP protein (p.Glu372Asp). This variant is present in population databases (rs201361291, gnomAD 0.002%). This variant has not been reported in the literature in individuals affected with SRCAP-related conditions. ClinVar contains an entry for this variant (Variation ID: 2793921). Invitae Evidence Modeling of protein sequence and biophysical properties (such as structural, functional, and spatial information, amino acid conservation, physicochemical variation, residue mobility, and thermodynamic stability) indicates that this missense variant is not expected to disrupt SRCAP protein function with a negative predictive value of 80%. In summary, the available evidence is currently insufficient to determine the role of this variant in disease. Therefore, it has been classified as a Variant of Uncertain Significance.

NM_006662.3(SRCAP):c.1116G>C (p.Glu372Asp)

Gene: SRCAP (Snf2 related CREBBP activator protein; plus strand). Cytogenetic location: 16p11.2.
Variant type: single nucleotide variant.
Coding change: c.1116G>C on transcript NM_006662.3 (MANE Select); coding-DNA position 1116, G replaced by C.
Protein change: p.Glu372Asp; replaces glutamic acid 372 with aspartic acid.
Molecular consequence: missense variant.
Genome position (GRCh38, 1-based): chr16:30,710,110, G>C. VCF-style: chr16-30710110-G-C. GRCh37 (hg19) VCF-style: chr16-30721431-G-C.
Other names: short protein forms E372D.
Identifiers: ClinVar variation 2793921 (VCV002793921.3), dbSNP rs201361291, ClinGen allele CA8010824.